The following is an entry in ClinVar:

ClinVar aggregate classification (germline): Uncertain significance. Review status: criteria provided, multiple submitters, no conflicts (2 of 4 stars). 2 submissions from 2 submitters: Uncertain significance (2). Last evaluated 2022-12-05.

Conditions:
Hereditary cancer-predisposing syndrome. Also called: Tumor predisposition; Neoplastic Syndromes, Hereditary; Hereditary Cancer Syndrome; Hereditary neoplastic syndrome. Identifiers: Orphanet 140162, MedGen C0027672, MeSH D009386, MONDO:0015356.

Submissions (2):

Ambry Genetics
Classification: Uncertain significance for Hereditary cancer-predisposing syndrome. Last evaluated: 2022-12-05. Review status: criteria provided, single submitter. Criteria: Ambry Variant Classification Scheme 2023. Collection method: clinical testing. Allele origin: germline.
Comment: The p.L175H variant (also known as c.524T>A), located in coding exon 2 of the MEN1 gene, results from a T to A substitution at nucleotide position 524. The leucine at codon 175 is replaced by histidine, an amino acid with similar properties. This amino acid position is conserved. In addition, this alteration is predicted to be deleterious by in silico analysis. Since supporting evidence is limited at this time, the clinical significance of this alteration remains unclear.

GeneDx
Classification: Uncertain significance. Last evaluated: 2019-10-01. Review status: criteria provided, single submitter. Criteria: GeneDx Variant Classification Process June 2021. Collection method: clinical testing. Allele origin: germline. Affected: yes.
Comment: Not observed in large population cohorts (Lek 2016); In silico analysis, which includes protein predictors and evolutionary conservation, supports a deleterious effect; Has not been previously published as pathogenic or benign to our knowledge

NM_001370259.2(MEN1):c.524T>A (p.Leu175His)

Gene: MEN1 (menin 1; minus strand). Cytogenetic location: 11q13.1.
Variant type: single nucleotide variant.
Coding change: c.524T>A on transcript NM_001370259.2 (MANE Select); coding-DNA position 524, T replaced by A.
Protein change: p.Leu175His; replaces leucine 175 with histidine.
Molecular consequence: missense variant.
Genome position (GRCh38, 1-based): chr11:64,808,021, A>T on the plus strand (T>A on the coding strand, the complement: MEN1 is on the minus strand). VCF-style: chr11-64808021-A-T. GRCh37 (hg19) VCF-style: chr11-64575493-A-T.
Other names: c.539T>A, p.Leu180His (NM_000244.4, NM_130800.3, NM_130801.3 and 3 more transcripts); c.524T>A, p.Leu175His (NM_001370251.2, NM_001370260.2, NM_001370261.2 and 3 more transcripts); short protein forms L175H, L180H.
Identifiers: ClinVar variation 1309027 (VCV001309027.5), dbSNP rs2136155339, ClinGen allele CA381185961.